The following is an entry in ClinVar:

NM_001142800.2(EYS):c.5626C>T (p.Gln1876Ter)

Gene: EYS (eyes shut homolog; minus strand). Cytogenetic location: 6q12.
Variant type: single nucleotide variant.
Coding change: c.5626C>T on transcript NM_001142800.2 (MANE Select); coding-DNA position 5626, C replaced by T.
Protein change: p.Gln1876Ter; replaces glutamine 1876 with a stop codon.
Molecular consequence: nonsense.
Genome position (GRCh38, 1-based): chr6:64,590,241, G>A on the plus strand (C>T on the coding strand, the complement: EYS is on the minus strand). VCF-style: chr6-64590241-G-A. GRCh37 (hg19) VCF-style: chr6-65300134-G-A.
Other names: c.5626C>T, p.Gln1876Ter (NM_001292009.2); short protein forms Q1876*.
Identifiers: ClinVar variation 1333220 (VCV001333220.1), dbSNP rs2149830904, ClinGen allele CA364780702.
Genomic context (GRCh38, chr6:64,590,241, plus strand): 5'-CTCATTTCTAAAAGTTTACTGAACAGAAACTGAGAAACTCACCAGAAATCATCAGCCGTT[G>A]AGGTGCCAGAATGGATTCCAGTGAAGACAAAGTAAGAGATCTAGTGAAGGGAAGATGCCG-3'

ClinVar aggregate classification (germline): Likely pathogenic (1 of 4 stars; one submission).

Conditions:
Retinitis pigmentosa 25 (RP25). Identifiers: Orphanet 791, MedGen C1864446, MONDO:0011272, OMIM 602772.

gnomAD v4.1: 4 of 1,545,412 alleles (0.00026%); highest among the groups gnomAD compares: Non-Finnish European, 0.00035%; no homozygotes.

Submission:

3billion
Classification: Likely pathogenic for Retinitis pigmentosa 25. Last evaluated: 2022-01-03. Review status: criteria provided, single submitter. Criteria: ACMG Guidelines, 2015. Collection method: clinical testing. Allele origin: germline. Affected: yes. Observed: 1 heterozygote.
Comment: Stop-gained (nonsense): predicted to result in a loss or disruption of normal protein function through nonsense-mediated decay (NMD) or protein truncation. Multiple pathogenic variants are reported downstream of the variant (PVS1_VS). It is not observed in the gnomAD v2.1.1 dataset (PM2_M). Therefore, this variant is classified as likely pathogenic according to the recommendation of ACMG/AMP guideline.